The following is an entry in ClinVar:

ClinVar aggregate classification (germline): Uncertain significance. Review status: criteria provided, multiple submitters, no conflicts (2 of 4 stars). 2 submissions from 2 submitters: Uncertain significance (2). Last evaluated 2025-04-09.

Conditions:
Cardiovascular phenotype. Identifiers: MedGen CN230736.

Allele frequency attached by ClinVar (database versions not stated): TOPMed below 0.00001; gnomAD 0.00001.
gnomAD v4.1: 7 of 1,611,132 alleles (0.00043%); highest among the groups gnomAD compares: Non-Finnish European, 0.00059%; no homozygotes.

Submissions (2):

Molecular Diagnostic Laboratory for Inherited Cardiovascular Disease, Montreal Heart Institute
Classification: Uncertain significance for Cardiovascular phenotype. Last evaluated: 2025-04-09. Review status: criteria provided, single submitter. Criteria: ACMG Guidelines, 2015. Collection method: clinical testing. Allele origin: germline. Affected: yes.

Ambry Genetics
Classification: Uncertain significance for Cardiovascular phenotype. Last evaluated: 2023-10-31. Review status: criteria provided, single submitter. Criteria: Ambry Variant Classification Scheme 2023. Collection method: clinical testing. Allele origin: germline.
Comment: The c.2188T>C variant (also known as p.*730Qext*16), located in coding exon 41 of the TRDN gene, results from a T to C substitution at nucleotide position 2188. This alteration disrupts the stop codon of the TRDN gene and is predicted to preserve the native sequence while resulting in the elongation of the protein by 16 amino acids. This alteration does not impact the predominant cardiac isoform of TRDN (NM_001256021.1; Kobayashi YM et al. J. Biol. Chem., 1999 Oct;274:28660-8). The exact functional effect of the additional amino acids is unknown. Since supporting evidence is limited at this time, the clinical significance of this alteration remains unclear.

NM_006073.4(TRDN):c.2188T>C (p.Ter730Gln)

Gene: TRDN (triadin; minus strand). Cytogenetic location: 6q22.31.
Variant type: single nucleotide variant.
Coding change: c.2188T>C on transcript NM_006073.4 (MANE Select); coding-DNA position 2188, T replaced by C.
Protein change: p.Ter730Gln.
Molecular consequence: stop lost.
Genome position (GRCh38, 1-based): chr6:123,218,603, A>G on the plus strand (T>C on the coding strand, the complement: TRDN is on the minus strand). VCF-style: chr6-123218603-A-G. GRCh37 (hg19) VCF-style: chr6-123539748-A-G.
Other names: c.2188T>C (NM_006073.3).
Identifiers: ClinVar variation 3225248 (VCV003225248.2), dbSNP rs1264048557, ClinGen allele CA365564280.